The following is an entry in ClinVar:

ClinVar aggregate classification (germline): Pathogenic. Review status: reviewed by expert panel (3 of 4 stars). 2 submissions from 2 submitters: Pathogenic (1). 1 of the submissions does not count toward it. Last evaluated 2016-09-08.

Conditions:
Breast-ovarian cancer, familial, susceptibility to, 1 (BROVCA1). Also called: BRCA1 Hereditary Breast and Ovarian Cancer; OVARIAN CANCER, SUSCEPTIBILITY TO. Identifiers: Orphanet 145, MedGen C2676676, MONDO:0011450, OMIM 604370. Disease mechanism: loss of function.

Submissions (2):

Evidence-based Network for the Interpretation of Germline Mutant Alleles (ENIGMA)
Classification: Pathogenic for Breast-ovarian cancer, familial, susceptibility to, 1. Last evaluated: 2016-09-08. Review status: reviewed by expert panel. Criteria: ENIGMA BRCA1/2 Classification Criteria (2015). Collection method: curation. Allele origin: germline.
Comment: Variant allele predicted to encode a truncated non-functional protein.

Sharing Clinical Reports Project (SCRP)
Classification: Pathogenic for Breast-ovarian cancer, familial 1. Last evaluated: 2012-05-01. Review status: no assertion criteria provided. Collection method: clinical testing. Allele origin: germline. Not counted in ClinVar's aggregate classification.

NM_007294.4(BRCA1):c.5027_5031del (p.Thr1675_Leu1676insTer)

Gene: BRCA1 (BRCA1 DNA repair associated; minus strand). Cytogenetic location: 17q21.31.
Variant type: Deletion.
Coding change: c.5027_5031del on transcript NM_007294.4 (MANE Select); coding-DNA positions 5027 to 5031, 5 bases deleted (TAACT; older notation c.5027_5031delTAACT).
Protein change: p.Thr1675_Leu1676insTer.
Molecular consequence: nonsense. On other transcripts: frameshift variant (365), non-coding transcript variant (1).
Genome position (GRCh38, 1-based): chr17:43,067,651-43,067,655, AGTTA deleted on the plus strand (TAACT on the coding strand, the reverse complement: BRCA1 is on the minus strand); deleting any 5 consecutive bases within chr17:43,067,651-43,067,656 gives the same sequence; the c. name uses the placement nearest the transcript's 3' end. VCF-style (leftmost placement, unchanged base first): chr17-43067650-TAGTTA-T. GRCh37 (hg19) VCF-style: chr17-41219667-TAGTTA-T.
Other names: 5145del5; c.5027_5031delTAACT (NM_007294.3); c.4762_4766delTTAAC, p.Leu1588Terfs (NM_001407922.1, NM_001407923.1, NM_001407924.1 and 4 more transcripts); c.4759_4763delTTAAC, p.Leu1587Terfs (NM_001407927.1, NM_001407928.1, NM_001407929.1 and 4 more transcripts); c.4756_4760delTTAAC, p.Leu1586Terfs (NM_001407934.1, NM_001407935.1, NM_001407936.1); c.4903_4907delTTAAC, p.Leu1635Terfs (NM_001407937.1, NM_001407938.1, NM_001407664.1 and 6 more transcripts); c.4900_4904delTTAAC, p.Leu1634Terfs (NM_001407939.1, NM_001407940.1, NM_001407670.1 and 11 more transcripts); c.4897_4901delTTAAC, p.Leu1633Terfs (NM_001407941.1, NM_001407681.1, NM_001407682.1 and 6 more transcripts); and 75 more.
Identifiers: ClinVar variation 254461 (VCV000254461.3), dbSNP rs431825410, ClinGen allele CA003156.